The following is an entry in ClinVar:

NM_017849.4(TMEM127):c.228C>A (p.His76Gln)

Gene: TMEM127 (transmembrane protein 127; minus strand). Cytogenetic location: 2q11.2.
Variant type: single nucleotide variant.
Coding change: c.228C>A on transcript NM_017849.4 (MANE Select); coding-DNA position 228, C replaced by A.
Protein change: p.His76Gln; replaces histidine 76 with glutamine.
Molecular consequence: missense variant.
Genome position (GRCh38, 1-based): chr2:96,265,154, G>T on the plus strand (C>A on the coding strand, the complement: TMEM127 is on the minus strand). VCF-style: chr2-96265154-G-T. GRCh37 (hg19) VCF-style: chr2-96930892-G-T.
Other names: c.228C>A, p.His76Gln (NM_001193304.3); short protein forms H76Q.
Identifiers: ClinVar variation 405202 (VCV000405202.7), dbSNP rs1060500599, ClinGen allele CA16611040.

ClinVar aggregate classification (germline): Uncertain significance (1 of 4 stars; one submission).

Conditions:
Hereditary pheochromocytoma and paraganglioma. Also called: Hereditary Paraganglioma-Pheochromocytoma Syndromes; Hereditary paragangliomas and pheochromocytomas; Hereditary pheochromocytoma-paraganglioma. Identifiers: Orphanet 29072, MedGen C4274332, MONDO:0017366.

Submission:

Labcorp Genetics (formerly Invitae), Labcorp
Classification: Uncertain significance for Hereditary pheochromocytoma and paraganglioma. Last evaluated: 2023-11-20. Review status: criteria provided, single submitter. Criteria: Invitae Variant Classification Sherloc (09022015). Collection method: clinical testing. Allele origin: germline.
Comment: This sequence change replaces histidine, which is basic and polar, with glutamine, which is neutral and polar, at codon 76 of the TMEM127 protein (p.His76Gln). This variant is not present in population databases (gnomAD no frequency). This variant has not been reported in the literature in individuals affected with TMEM127-related conditions. ClinVar contains an entry for this variant (Variation ID: 405202). An algorithm developed to predict the effect of missense changes on protein structure and function (PolyPhen-2) suggests that this variant is likely to be tolerated. In summary, the available evidence is currently insufficient to determine the role of this variant in disease. Therefore, it has been classified as a Variant of Uncertain Significance.